The following is an entry in ClinVar:

NM_001005273.3(CHD3):c.5272G>A (p.Ala1758Thr)

Gene: CHD3 (chromodomain helicase DNA binding protein 3; plus strand). Cytogenetic location: 17p13.1.
Variant type: single nucleotide variant.
Coding change: c.5272G>A on transcript NM_001005273.3 (MANE Select); coding-DNA position 5272, G replaced by A.
Protein change: p.Ala1758Thr; replaces alanine 1758 with threonine.
Molecular consequence: missense variant.
Genome position (GRCh38, 1-based): chr17:7,908,707, G>A. VCF-style: chr17-7908707-G-A. GRCh37 (hg19) VCF-style: chr17-7812025-G-A.
Other names: c.5449G>A, p.Ala1817Thr (NM_001005271.3); c.5170G>A, p.Ala1724Thr (NM_005852.4); short protein forms A1724T, A1758T, A1817T.
Identifiers: ClinVar variation 3902071 (VCV003902071.1).

ClinVar aggregate classification (germline): Uncertain significance (1 of 4 stars; one submission).

Conditions:
Snijders Blok-Campeau syndrome. Also called: INTELLECTUAL DEVELOPMENTAL DISORDER WITH MACROCEPHALY, SPEECH DELAY, AND DYSMORPHIC FACIES. Identifiers: Orphanet 599082, MedGen C4748701, MONDO:0032600, OMIM 618205.

gnomAD v4.1: 1 of 1,614,182 alleles (0.000062%); highest among the groups gnomAD compares: Non-Finnish European, 0.000085%; no homozygotes.

Submission:

Laboratorio de Genetica e Diagnostico Molecular, Hospital Israelita Albert Einstein
Classification: Uncertain significance for Snijders Blok-Campeau syndrome. Last evaluated: 2023-03-03. Review status: criteria provided, single submitter. Criteria: ACMG Guidelines, 2015. Collection method: clinical testing. Allele origin: germline. Affected: yes.
Comment: ACMG classification criteria: PM2 moderate, PP2 supporting, PP3 supporting